The following is an entry in ClinVar:

ClinVar aggregate classification (germline): Uncertain significance (1 of 4 stars; one submission).

Conditions:
Charcot-Marie-Tooth disease type 4. Also called: Charcot-Marie-Tooth disease, type IV; Charcot-Marie-Tooth, Type 4. Identifiers: Orphanet 64749, MedGen C4082197, MONDO:0018995.

Allele frequency attached by ClinVar (database versions not stated): gnomAD exomes below 0.00001.
gnomAD v4.1: 3 of 1,582,380 alleles (0.00019%); highest among the groups gnomAD compares: South Asian, 0.0022%; no homozygotes.

Submission:

Labcorp Genetics (formerly Invitae), Labcorp
Classification: Uncertain significance for Charcot-Marie-Tooth disease type 4. Last evaluated: 2021-12-17. Review status: criteria provided, single submitter. Criteria: Invitae Variant Classification Sherloc (09022015). Collection method: clinical testing. Allele origin: germline.
Comment: This sequence change replaces glycine, which is neutral and non-polar, with glutamic acid, which is acidic and polar, at codon 1531 of the SBF2 protein (p.Gly1531Glu). This variant is not present in population databases (gnomAD no frequency). This variant has not been reported in the literature in individuals affected with SBF2-related conditions. Algorithms developed to predict the effect of missense changes on protein structure and function are either unavailable or do not agree on the potential impact of this missense change (SIFT: "Deleterious"; PolyPhen-2: "Possibly Damaging"; Align-GVGD: "Class C0"). In summary, the available evidence is currently insufficient to determine the role of this variant in disease. Therefore, it has been classified as a Variant of Uncertain Significance.

NM_030962.4(SBF2):c.4592G>A (p.Gly1531Glu)

Genes: SBF2 (SET binding factor 2; minus strand), SBF2-AS1 (SBF2 antisense RNA 1; plus strand), LOC105369149 (uncharacterized LOC105369149; plus strand). Cytogenetic location: 11p15.4.
Variant type: single nucleotide variant.
Coding change: c.4592G>A on transcript NM_030962.4 (MANE Select); coding-DNA position 4592, G replaced by A.
Protein change: p.Gly1531Glu; replaces glycine 1531 with glutamic acid.
Molecular consequence: missense variant.
Genome position (GRCh38, 1-based): chr11:9,790,662, C>T on the plus strand (G>A on the coding strand, the complement: SBF2 is on the minus strand). VCF-style: chr11-9790662-C-T. GRCh37 (hg19) VCF-style: chr11-9812209-C-T.
Other names: c.4688G>A, p.Gly1563Glu (NM_001386339.1); c.4463G>A, p.Gly1488Glu (NM_001386342.1); short protein forms G1488E, G1563E, G1531E.
Identifiers: ClinVar variation 2164308 (VCV002164308.1), dbSNP rs1423180682, ClinGen allele CA379635286.